The following is an entry in ClinVar:

NM_002880.4(RAF1):c.1463G>C (p.Gly488Ala)

Gene: RAF1 (Raf-1 proto-oncogene, serine/threonine kinase; minus strand). Cytogenetic location: 3p25.2.
Variant type: single nucleotide variant.
Coding change: c.1463G>C on transcript NM_002880.4 (MANE Select); coding-DNA position 1463, G replaced by C.
Protein change: p.Gly488Ala; replaces glycine 488 with alanine.
Molecular consequence: missense variant. On other transcripts: non-coding transcript variant (3).
Genome position (GRCh38, 1-based): chr3:12,585,754, C>G on the plus strand (G>C on the coding strand, the complement: RAF1 is on the minus strand). VCF-style: chr3-12585754-C-G. GRCh37 (hg19) VCF-style: chr3-12627253-C-G.
Other names: c.1523G>C, p.Gly508Ala (NM_001354689.3); c.1463G>C, p.Gly488Ala (NM_001354690.3); c.1220G>C, p.Gly407Ala (NM_001354691.3, NM_001354692.3); c.1364G>C, p.Gly455Ala (NM_001354693.3); c.1280G>C, p.Gly427Ala (NM_001354694.3); c.1121G>C, p.Gly374Ala (NM_001354695.3); short protein forms G427A, G407A, G488A, G374A, G455A, G508A.
Identifiers: ClinVar variation 4779047 (VCV004779047.1).

ClinVar aggregate classification (germline): Uncertain significance (1 of 4 stars; one submission).

Conditions:
RASopathy. Also called: Noonan spectrum disorder; rasopathies. Identifiers: Orphanet 536391, MedGen C5555857, MONDO:0021060.

Submission:

Labcorp Genetics (formerly Invitae), Labcorp
Classification: Uncertain significance for RASopathy. Last evaluated: 2025-08-06. Review status: criteria provided, single submitter. Criteria: Invitae Variant Classification Sherloc (09022015). Collection method: clinical testing. Allele origin: germline.
Comment: This sequence change replaces glycine, which is neutral and non-polar, with alanine, which is neutral and non-polar, at codon 488 of the RAF1 protein (p.Gly488Ala). This variant is not present in population databases (gnomAD no frequency). This variant has not been reported in the literature in individuals affected with RAF1-related conditions. Invitae Evidence Modeling of protein sequence and biophysical properties (such as structural, functional, and spatial information, amino acid conservation, physicochemical variation, residue mobility, and thermodynamic stability) indicates that this missense variant is expected to disrupt RAF1 protein function with a positive predictive value of 95%. In summary, the available evidence is currently insufficient to determine the role of this variant in disease. Therefore, it has been classified as a Variant of Uncertain Significance.